The following is an entry in ClinVar:

NM_145045.5(ODAD3):c.919C>G (p.Arg307Gly)

Gene: ODAD3 (outer dynein arm docking complex subunit 3; minus strand). Cytogenetic location: 19p13.2.
Variant type: single nucleotide variant.
Coding change: c.919C>G on transcript NM_145045.5 (MANE Select); coding-DNA position 919, C replaced by G.
Protein change: p.Arg307Gly; replaces arginine 307 with glycine.
Molecular consequence: missense variant.
Genome position (GRCh38, 1-based): chr19:11,426,188, G>C on the plus strand (C>G on the coding strand, the complement: ODAD3 is on the minus strand). VCF-style: chr19-11426188-G-C. GRCh37 (hg19) VCF-style: chr19-11537008-G-C.
Other names: c.757C>G, p.Arg253Gly (NM_001302453.1); c.739C>G, p.Arg247Gly (NM_001302454.2); short protein forms R247G, R307G, R253G.
Identifiers: ClinVar variation 662085 (VCV000662085.7), dbSNP rs375587857, ClinGen allele CA404122936.

ClinVar aggregate classification (germline): Uncertain significance. Review status: criteria provided, multiple submitters, no conflicts (2 of 4 stars). 2 submissions from 2 submitters: Uncertain significance (2). Last evaluated 2025-10-02.

Conditions:
Inborn genetic diseases. Identifiers: MedGen C0950123, MeSH D030342.
Primary ciliary dyskinesia 30. Also called: CILIARY DYSKINESIA, PRIMARY, 30, WITH OR WITHOUT SITUS INVERSUS. Identifiers: Orphanet 244, MedGen C4015016, MONDO:0014465, OMIM 616037.

Allele frequency attached by ClinVar (database versions not stated): TOPMed 0.00002.

Submissions (2):

Ambry Genetics
Classification: Uncertain significance for Inborn genetic diseases. Last evaluated: 2025-10-02. Review status: criteria provided, single submitter. Criteria: Ambry Variant Classification Scheme 2023. Collection method: clinical testing. Allele origin: germline.

Labcorp Genetics (formerly Invitae), Labcorp
Classification: Uncertain significance for Primary ciliary dyskinesia 30. Last evaluated: 2022-06-20. Review status: criteria provided, single submitter. Criteria: Invitae Variant Classification Sherloc (09022015). Collection method: clinical testing. Allele origin: germline.
Comment: This sequence change replaces arginine, which is basic and polar, with glycine, which is neutral and non-polar, at codon 307 of the CCDC151 protein (p.Arg307Gly). This variant is present in population databases (no rsID available, gnomAD 0.0009%). This variant has not been reported in the literature in individuals affected with CCDC151-related conditions. ClinVar contains an entry for this variant (Variation ID: 662085). Algorithms developed to predict the effect of missense changes on protein structure and function (SIFT, PolyPhen-2, Align-GVGD) all suggest that this variant is likely to be disruptive. In summary, the available evidence is currently insufficient to determine the role of this variant in disease. Therefore, it has been classified as a Variant of Uncertain Significance.